The following is an entry in ClinVar:

ClinVar aggregate classification (germline): Uncertain significance. Review status: criteria provided, multiple submitters, no conflicts (2 of 4 stars). 2 submissions from 2 submitters: Uncertain significance (2). Last evaluated 2025-05-25.

Conditions:
Atrioventricular septal defect 5 (AVSD5). Identifiers: MedGen C3280939, MONDO:0013769, OMIM 614474.
Inborn genetic diseases. Identifiers: MedGen C0950123, MeSH D030342.

Submissions (2):

Ambry Genetics
Classification: Uncertain significance for Inborn genetic diseases. Last evaluated: 2025-05-25. Review status: criteria provided, single submitter. Criteria: Ambry Variant Classification Scheme 2023. Collection method: clinical testing. Allele origin: germline.

Labcorp Genetics (formerly Invitae), Labcorp
Classification: Uncertain significance for Atrioventricular septal defect 5. Last evaluated: 2024-09-05. Review status: criteria provided, single submitter. Criteria: Invitae Variant Classification Sherloc (09022015). Collection method: clinical testing. Allele origin: germline.
Comment: This sequence change replaces proline, which is neutral and non-polar, with serine, which is neutral and polar, at codon 334 of the GATA6 protein (p.Pro334Ser). This variant is present in population databases (no rsID available, gnomAD 0.02%). This variant has not been reported in the literature in individuals affected with GATA6-related conditions. Invitae Evidence Modeling of protein sequence and biophysical properties (such as structural, functional, and spatial information, amino acid conservation, physicochemical variation, residue mobility, and thermodynamic stability) indicates that this missense variant is not expected to disrupt GATA6 protein function with a negative predictive value of 80%. In summary, the available evidence is currently insufficient to determine the role of this variant in disease. Therefore, it has been classified as a Variant of Uncertain Significance.

NM_005257.6(GATA6):c.1000C>T (p.Pro334Ser)

Gene: GATA6 (GATA binding protein 6; plus strand). Cytogenetic location: 18q11.2.
Variant type: single nucleotide variant.
Coding change: c.1000C>T on transcript NM_005257.6 (MANE Select); coding-DNA position 1000, C replaced by T.
Protein change: p.Pro334Ser; replaces proline 334 with serine.
Molecular consequence: missense variant.
Genome position (GRCh38, 1-based): chr18:22,172,144, C>T. VCF-style: chr18-22172144-C-T. GRCh37 (hg19) VCF-style: chr18-19752105-C-T.
Other names: c.1000C>T (NM_005257.3); short protein forms P334S.
Identifiers: ClinVar variation 3012102 (VCV003012102.4), dbSNP rs1217468846, ClinGen allele CA401801596.